The following is an entry in ClinVar:

ClinVar aggregate classification (germline): Uncertain significance. Review status: criteria provided, single submitter (1 of 4 stars). 2 submissions from 2 submitters: Uncertain significance (1). 1 of the submissions does not count toward it. Last evaluated 2024-11-05.

Conditions:
Abetalipoproteinaemia (ABL). Also called: Abetalipoproteinemia neuropathy; Apolipoprotein B deficiency; Congenital betalipoprotein deficiency syndrome; MTP DEFICIENCY; Abetalipoproteinemia. Identifiers: Orphanet 14, MedGen C0000744, MONDO:0008692, OMIM 200100, HP:0008181.

Submissions (2):

Labcorp Genetics (formerly Invitae), Labcorp
Classification: Uncertain significance. Last evaluated: 2024-11-05. Review status: criteria provided, single submitter. Criteria: Invitae Variant Classification Sherloc (09022015). Collection method: clinical testing. Allele origin: germline.
Comment: This sequence change replaces glutamic acid, which is acidic and polar, with glycine, which is neutral and non-polar, at codon 114 of the MTTP protein (p.Glu114Gly). This variant is not present in population databases (gnomAD no frequency). This variant has not been reported in the literature in individuals affected with MTTP-related conditions. ClinVar contains an entry for this variant (Variation ID: 1717485). Invitae Evidence Modeling of protein sequence and biophysical properties (such as structural, functional, and spatial information, amino acid conservation, physicochemical variation, residue mobility, and thermodynamic stability) indicates that this missense variant is not expected to disrupt MTTP protein function with a negative predictive value of 80%. In summary, the available evidence is currently insufficient to determine the role of this variant in disease. Therefore, it has been classified as a Variant of Uncertain Significance.

Natera, Inc.
Classification: Uncertain significance for Abetalipoproteinemia. Last evaluated: 2025-05-16. Review status: no assertion criteria provided. Collection method: clinical testing. Allele origin: germline. Not counted in ClinVar's aggregate classification.

NM_001386140.1(MTTP):c.341A>G (p.Glu114Gly)

Gene: MTTP (microsomal triglyceride transfer protein; plus strand). Cytogenetic location: 4q23.
Variant type: single nucleotide variant.
Coding change: c.341A>G on transcript NM_001386140.1 (MANE Select); coding-DNA position 341, A replaced by G.
Protein change: p.Glu114Gly; replaces glutamic acid 114 with glycine.
Molecular consequence: missense variant.
Genome position (GRCh38, 1-based): chr4:99,583,465, A>G. VCF-style: chr4-99583465-A-G. GRCh37 (hg19) VCF-style: chr4-100504622-A-G.
Other names: c.341A>G, p.Glu114Gly (NM_000253.4); c.92A>G, p.Glu31Gly (NM_001300785.2); c.341A>G (NM_000253.3); short protein forms E114G, E31G.
Identifiers: ClinVar variation 1717485 (VCV001717485.6), dbSNP rs964382432, ClinGen allele CA102617567.
Genomic context (GRCh38, chr4:99,583,465, plus strand): 5'-AGCAGAGAGGAGAGAAGAGCATCTTCAAAGGAAAAAGCCCATCTAAAATAATGGGAAAGG[A>G]AAACTTGGAAGCTCTGCAAAGACCTACGCTCCTTCATCTAATCCATGGAAAGGTAAAGGG-3'
Protein context (NP_001373069.1, residues 104-124): GKSPSKIMGK[Glu114Gly]NLEALQRPTL